The following is an entry in ClinVar:

ClinVar aggregate classification (germline): Benign/Likely benign. Review status: criteria provided, multiple submitters, no conflicts (2 of 4 stars). 5 submissions from 5 submitters: Benign (1); Likely benign (2). 2 of the submissions do not count toward it. Last evaluated 2026-02-01.

Conditions:
Retinitis pigmentosa (RP). Identifiers: Orphanet 791, MedGen C0035334, MeSH D012174, MONDO:0019200, OMIM 268000. Inheritance: Autosomal dominant, autosomal recessive and X linked inheritance.

Allele frequency attached by ClinVar (database versions not stated): gnomAD exomes 0.00062 and 0.00162; ExAC 0.00210; 1000 Genomes Project 30x 0.00625; gnomAD 0.00635 and 0.00693; ESP Exome Variant Server 0.00638; 1000 Genomes Project 0.00679; TOPMed 0.00702.
gnomAD v4.1: 1,928 of 1,614,184 alleles (0.12%); highest among the groups gnomAD compares: African/African-American, 2.3%; 18 homozygotes.

Submissions (5):

Labcorp Genetics (formerly Invitae), Labcorp
Classification: Benign. Last evaluated: 2026-02-01. Review status: criteria provided, single submitter. Criteria: Invitae Variant Classification Sherloc (09022015). Collection method: clinical testing. Allele origin: germline.

Blueprint Genetics
Classification: Likely benign. Last evaluated: 2024-10-31. Review status: criteria provided, single submitter. Criteria: ACMG Guidelines, 2015. Collection method: clinical testing. Allele origin: germline.

Illumina Laboratory Services, Illumina
Classification: Likely benign for Retinitis pigmentosa. Last evaluated: 2018-01-13. Review status: criteria provided, single submitter. Criteria: ICSL Variant Classification Criteria 13 December 2019. Collection method: clinical testing. Allele origin: germline.
Comment: This variant was observed in the ICSL laboratory as part of a predisposition screen in an ostensibly healthy population. It had not been previously curated by ICSL or reported in the Human Gene Mutation Database (HGMD: prior to June 1st, 2018), and was therefore a candidate for classification through an automated scoring system. Utilizing variant allele frequency, disease prevalence and penetrance estimates, and inheritance mode, an automated score was calculated to assess if this variant is too frequent to cause the disease. Based on the score and internal cut-off values, a variant classified as likely benign is not then subjected to further curation. The score for this variant resulted in a classification of likely benign for this disease.

Clinical Genetics DNA and cytogenetics Diagnostics Lab, Erasmus MC, Erasmus Medical Center
Classification: Benign. Review status: no assertion criteria provided. Collection method: clinical testing. Allele origin: germline. Affected: yes. Study: VKGL Data-share Consensus. Not counted in ClinVar's aggregate classification.

Clinical Genetics, Academic Medical Center
Classification: Benign. Review status: no assertion criteria provided. Collection method: clinical testing. Allele origin: germline. Affected: yes. Study: VKGL Data-share Consensus. Not counted in ClinVar's aggregate classification.

NM_006343.3(MERTK):c.1353A>G (p.Gln451=)

Gene: MERTK (MER proto-oncogene, tyrosine kinase; plus strand). Cytogenetic location: 2q13.
Variant type: single nucleotide variant.
Coding change: c.1353A>G on transcript NM_006343.3 (MANE Select); coding-DNA position 1353, A replaced by G.
Protein change: p.Gln451=; no amino-acid change (glutamine 451 retained).
Molecular consequence: synonymous variant.
Genome position (GRCh38, 1-based): chr2:111,994,307, A>G. VCF-style: chr2-111994307-A-G. GRCh37 (hg19) VCF-style: chr2-112751884-A-G.
Identifiers: ClinVar variation 784993 (VCV000784993.17), dbSNP rs35981104, ClinGen allele CA1831360.